The following is an entry in ClinVar:

ClinVar aggregate classification (germline): Uncertain significance (1 of 4 stars; one submission).

Allele frequency attached by ClinVar (database versions not stated): TOPMed below 0.00001; gnomAD exomes 0.00001; ExAC 0.00002.
gnomAD v4.1: 21 of 1,582,960 alleles (0.0013%); highest among the groups gnomAD compares: Non-Finnish European, 0.0018%; no homozygotes.

Submission:

Labcorp Genetics (formerly Invitae), Labcorp
Classification: Uncertain significance. Last evaluated: 2023-04-21. Review status: criteria provided, single submitter. Criteria: Invitae Variant Classification Sherloc (09022015). Collection method: clinical testing. Allele origin: germline.
Comment: In summary, the available evidence is currently insufficient to determine the role of this variant in disease. Therefore, it has been classified as a Variant of Uncertain Significance. Variants that disrupt the consensus splice site are a relatively common cause of aberrant splicing (PMID: 17576681, 9536098). Algorithms developed to predict the effect of sequence changes on RNA splicing suggest that this variant is not likely to affect RNA splicing. This variant has not been reported in the literature in individuals affected with MCM5-related conditions. This variant is present in population databases (rs777851126, gnomAD 0.002%). This sequence change falls in intron 8 of the MCM5 gene. It does not directly change the encoded amino acid sequence of the MCM5 protein. It affects a nucleotide within the consensus splice site.

Literature cited by the submitters: PubMed 17576681; PubMed 9536098.

NM_006739.4(MCM5):c.1092-3C>T

Gene: MCM5 (minichromosome maintenance complex component 5; plus strand). Cytogenetic location: 22q12.3.
Variant type: single nucleotide variant.
Coding change: c.1092-3C>T on transcript NM_006739.4 (MANE Select); 3 bases into the intron before coding-DNA position 1092, C replaced by T.
Molecular consequence: intron variant.
Genome position (GRCh38, 1-based): chr22:35,413,872, C>T. VCF-style: chr22-35413872-C-T. GRCh37 (hg19) VCF-style: chr22-35809865-C-T.
Identifiers: ClinVar variation 2969303 (VCV002969303.3), dbSNP rs777851126, ClinGen allele CA10205276.